The following is an entry in ClinVar:

ClinVar aggregate classification (germline): Uncertain significance (1 of 4 stars; one submission).

Conditions:
Hereditary cancer-predisposing syndrome. Also called: Neoplastic Syndromes, Hereditary; Tumor predisposition; Hereditary Cancer Syndrome; Hereditary neoplastic syndrome. Identifiers: Orphanet 140162, MedGen C0027672, MeSH D009386, MONDO:0015356.

gnomAD v4.1: 3 of 1,614,258 alleles (0.00019%); highest among the groups gnomAD compares: Non-Finnish European, 0.00025%; no homozygotes.

Submission:

Ambry Genetics
Classification: Uncertain significance for Hereditary cancer-predisposing syndrome. Last evaluated: 2025-12-24. Review status: criteria provided, single submitter. Criteria: Ambry Variant Classification Scheme 2023. Collection method: clinical testing. Allele origin: germline.
Comment: The p.V717M variant (also known as c.2149G>A), located in coding exon 18 of the EGFR gene, results from a G to A substitution at nucleotide position 2149. The valine at codon 717 is replaced by methionine, an amino acid with highly similar properties. This amino acid position is conserved. In addition, the in silico prediction for this alteration is inconclusive. Based on the available evidence, the clinical significance of this variant remains unclear.

NM_005228.5(EGFR):c.2149G>A (p.Val717Met)

Gene: EGFR (epidermal growth factor receptor; plus strand). Cytogenetic location: 7p11.2.
Variant type: single nucleotide variant.
Coding change: c.2149G>A on transcript NM_005228.5 (MANE Select); coding-DNA position 2149, G replaced by A.
Protein change: p.Val717Met; replaces valine 717 with methionine.
Molecular consequence: missense variant.
Genome position (GRCh38, 1-based): chr7:55,174,008, G>A. VCF-style: chr7-55174008-G-A. GRCh37 (hg19) VCF-style: chr7-55241701-G-A.
Other names: c.2014G>A, p.Val672Met (NM_001346897.2, NM_001346899.2); c.2149G>A, p.Val717Met (NM_001346898.2); c.1990G>A, p.Val664Met (NM_001346900.2); c.1348G>A, p.Val450Met (NM_001346941.2); short protein forms V664M, V672M, V717M, V450M.
Identifiers: ClinVar variation 4842917 (VCV004842917.1).